The following is an entry in ClinVar:

NM_001330078.2:c.832+114286_3364+3023del

Gene: NRXN1 (neurexin 1; minus strand).
Variant type: Deletion.
Other names: c.832+114286_3364+3023del (NM_001330078.2).
Identifiers: ClinVar variation 4879421 (VCV004879421.1).

ClinVar aggregate classification (germline): Uncertain significance (1 of 4 stars; one submission).

Conditions:
NRXN1-associated neurodevelopmental disorder.

Submission:

Institute of Human Genetics, University of Leipzig Medical Center
Classification: Uncertain significance for NRXN1-associated neurodevelopmental disorder. Last evaluated: 2026-06-16. Review status: criteria provided, single submitter. Criteria: ACMG Guidelines, 2015. Collection method: clinical testing. Allele origin: maternal. Inheritance: Autosomal dominant inheritance. Affected: yes.
Comment: Criteria applied: PM4, PS4_MOD

Literature cited by the submitters: PubMed 31932357.